The following is an entry in ClinVar:

NM_004006.3(DMD):c.8413G>A (p.Asp2805Asn)

Gene: DMD (dystrophin; minus strand). Cytogenetic location: Xp21.2.
Variant type: single nucleotide variant.
Coding change: c.8413G>A on transcript NM_004006.3 (MANE Select); coding-DNA position 8413, G replaced by A.
Protein change: p.Asp2805Asn; replaces aspartic acid 2805 with asparagine.
Molecular consequence: missense variant.
Genome position (GRCh38, 1-based): chrX:31,496,922, C>T on the plus strand (G>A on the coding strand, the complement: DMD is on the minus strand). VCF-style: chrX-31496922-C-T. GRCh37 (hg19) VCF-style: chrX-31515039-C-T.
Other names: c.8389G>A, p.Asp2797Asn (NM_000109.4); c.8401G>A, p.Asp2801Asn (NM_004009.3); c.8044G>A, p.Asp2682Asn (NM_004010.3); c.4390G>A, p.Asp1464Asn (NM_004011.4); c.4381G>A, p.Asp1461Asn (NM_004012.4); c.1033G>A, p.Asp345Asn (NM_004013.3, NM_004020.4, NM_004021.3 and 2 more transcripts); c.226G>A, p.Asp76Asn (NM_004014.3); short protein forms D1461N, D1464N, D2682N, D2797N, D2801N, D2805N, D345N, D76N.
Identifiers: ClinVar variation 1703323 (VCV001703323.2), dbSNP rs2525736257, ClinGen allele CA412655645.
Genomic context (GRCh38, chrX:31,496,922, plus strand): 5'-CTTTCAGCTGTAGCCACACCAGAAGTTCCTGCAGAGAAAGGTGCAGACGCTTCCACTGGT[C>T]AGAACTGGCTTCCAAATGGGACCTGAAAAAGAACAGCAGCGTACCATGTCAGAATATCTA-3'
Protein context (NP_003997.2, residues 2795-2815): NIRSHLEASS[Asp2805Asn]QWKRLHLSLQ

ClinVar aggregate classification (germline): Uncertain significance (1 of 4 stars; one submission).

Submission:

GeneDx
Classification: Uncertain significance. Last evaluated: 2022-02-26. Review status: criteria provided, single submitter. Criteria: GeneDx Variant Classification Process June 2021. Collection method: clinical testing. Allele origin: germline. Affected: yes.
Comment: Has not been previously published as pathogenic or benign to our knowledge; Not observed at significant frequency in large population cohorts (gnomAD); Missense variant in a gene in which most reported pathogenic variants are truncating/loss-of-function; In silico analysis supports that this missense variant has a deleterious effect on protein structure/function